The following is an entry in ClinVar:

NM_001127222.2(CACNA1A):c.3933_3990-3287del

Genes: CACNA1A (calcium voltage-gated channel subunit alpha1 A; minus strand), LOC121852980 (Sharpr-MPRA regulatory region 13658; plus strand), LOC126862865 (CDK7 strongly-dependent group 2 enhancer GRCh37_chr19:13385818-13387017; plus strand). Cytogenetic location: 19p13.13.
Variant type: Deletion.
Coding change: c.3933_3990-3287del on transcript NM_001127222.2 (MANE Select); coding-DNA position 3933 through 3287 bases into the intron before coding-DNA position 3990, 9,787 bases deleted.
Molecular consequence: splice donor variant.
Genome position (GRCh38, 1-based): chr19:13,266,120-13,275,906, 9,787 bases deleted. GRCh37 (hg19): chr19:13,376,938-13,386,724.
Other names: p.?; c.3936_3993-3287del (NM_001127221.2, NM_001174080.2); c.3945_4002-3287del (NM_000068.4, NM_023035.3).
Identifiers: ClinVar variation 3380911 (VCV003380911.1).

ClinVar aggregate classification (germline): Likely pathogenic (1 of 4 stars; one submission).

Submission:

Mayo Clinic Laboratories, Mayo Clinic
Classification: Likely pathogenic. Last evaluated: 2024-09-12. Review status: criteria provided, single submitter. Criteria: ACMG Guidelines, 2015. Collection method: clinical testing. Allele origin: germline. Observed: 1 variant allele.
Comment: PM2, PVS1

Literature cited by the submitters: PubMed 22942164; PubMed 8898206.